The following is an entry in ClinVar:

NM_033380.3(COL4A5):c.4298G>A (p.Gly1433Asp)

Gene: COL4A5 (collagen type IV alpha 5 chain; plus strand). Cytogenetic location: Xq22.3.
Variant type: single nucleotide variant.
Coding change: c.4298G>A on transcript NM_033380.3 (MANE Select); coding-DNA position 4298, G replaced by A.
Protein change: p.Gly1433Asp; replaces glycine 1433 with aspartic acid.
Molecular consequence: missense variant.
Genome position (GRCh38, 1-based): chrX:108,686,112, G>A. VCF-style: chrX-108686112-G-A. GRCh37 (hg19) VCF-style: chrX-107929342-G-A.
Other names: c.4280G>A, p.Gly1427Asp (NM_000495.5); short protein forms G1433D, G1427D.
Identifiers: ClinVar variation 4997267 (VCV004997267.1).
Genomic context (GRCh38, chrX:108,686,112, plus strand): 5'-ATCCTGGACGCAATGGACTCCCTGGCTTTGATGGTGCAGGAGGGCGCAAAGGAGACCCAG[G>A]TCTGCCAGGACAGCCAGGTAAGACAAGTAAAACATGCTGTTGGTGGAGGGAAAGTCTTTG-3'
Protein context (NP_203699.1, residues 1423-1443): DGAGGRKGDP[Gly1433Asp]LPGQPGTRGL

ClinVar aggregate classification (germline): Likely pathogenic (1 of 4 stars; one submission).

Conditions:
COL4A5-related disorder. Also called: COL4A5-related condition.

Submission:

PreventionGenetics, part of Exact Sciences
Classification: Likely pathogenic for COL4A5-related condition. Last evaluated: 2025-07-31. Review status: criteria provided, single submitter. Criteria: ACMG Guidelines, 2015. Collection method: clinical testing. Allele origin: germline.
Comment: The COL4A5 c.4280G>A variant is predicted to result in the amino acid substitution p.Gly1427Asp. The p.Gly1427 residue is located in the triple-helical region (residues 42 – 1456) of the COL4A5 protein. The majority of pathogenic variants in COL4A5 substitute a glycine residue to a bulkier amino acid in the triple-helical domain (Hudson et al. 1993. PubMed ID: 8253711). Alternate missense changes at the same amino acid position (p.Gly1427Cys, p.Gly1427Ala) have been reported in individuals affected with COL4A5-related disorder (Nagel et al. 2005. PubMed ID: 15954103; Ma et al. 2011. PubMed ID: 21505094). To our knowledge, this variant has not been reported in the literature or in a large population database (gnomAD), indicating this variant is rare. This variant is interpreted as likely pathogenic.